The following is an entry in ClinVar:

ClinVar aggregate classification (germline): Uncertain significance (1 of 4 stars; one submission).

gnomAD v4.1: 1 of 1,395,368 alleles (0.000072%); highest among the groups gnomAD compares: Non-Finnish European, 0.000092%; no homozygotes.

Submission:

Labcorp Genetics (formerly Invitae), Labcorp
Classification: Uncertain significance. Last evaluated: 2022-06-07. Review status: criteria provided, single submitter. Criteria: Invitae Variant Classification Sherloc (09022015). Collection method: clinical testing. Allele origin: germline.
Comment: This sequence change replaces proline, which is neutral and non-polar, with leucine, which is neutral and non-polar, at codon 209 of the TPRN protein (p.Pro209Leu). This variant is not present in population databases (gnomAD no frequency). This variant has not been reported in the literature in individuals affected with TPRN-related conditions. Algorithms developed to predict the effect of missense changes on protein structure and function are either unavailable or do not agree on the potential impact of this missense change (SIFT: "Deleterious"; PolyPhen-2: "Probably Damaging"; Align-GVGD: "Class C0"). In summary, the available evidence is currently insufficient to determine the role of this variant in disease. Therefore, it has been classified as a Variant of Uncertain Significance.

NM_001128228.3(TPRN):c.626C>T (p.Pro209Leu)

Gene: TPRN (taperin; minus strand). Cytogenetic location: 9q34.3.
Variant type: single nucleotide variant.
Coding change: c.626C>T on transcript NM_001128228.3 (MANE Select); coding-DNA position 626, C replaced by T.
Protein change: p.Pro209Leu; replaces proline 209 with leucine.
Molecular consequence: missense variant.
Genome position (GRCh38, 1-based): chr9:137,200,086, G>A on the plus strand (C>T on the coding strand, the complement: TPRN is on the minus strand). VCF-style: chr9-137200086-G-A. GRCh37 (hg19) VCF-style: chr9-140094538-G-A.
Other names: short protein forms P209L.
Identifiers: ClinVar variation 1957320 (VCV001957320.5), dbSNP rs1422130115, ClinGen allele CA375780689.